The following is an entry in ClinVar:

ClinVar aggregate classification (germline): Uncertain significance. Review status: criteria provided, multiple submitters, no conflicts (2 of 4 stars). 3 submissions from 3 submitters: Uncertain significance (3). Last evaluated 2026-08-20.

Conditions:
SBF2-related disorder. Also called: SBF2-related condition.
Inborn genetic diseases. Identifiers: MedGen C0950123, MeSH D030342.
Charcot-Marie-Tooth disease type 4. Also called: Charcot-Marie-Tooth disease, type IV; Charcot-Marie-Tooth, Type 4. Identifiers: Orphanet 64749, MedGen C4082197, MONDO:0018995.

Allele frequency attached by ClinVar (database versions not stated): gnomAD exomes 0.00001 and 0.00002; ExAC 0.00002; gnomAD 0.00002; ESP Exome Variant Server 0.00008; TOPMed 0.00010; 1000 Genomes Project 30x 0.00016; 1000 Genomes Project 0.00020.
gnomAD v4.1: 20 of 1,614,098 alleles (0.0012%); highest among the groups gnomAD compares: African/African-American, 0.0093%; no homozygotes.

Submissions (3):

PreventionGenetics, part of Exact Sciences
Classification: Uncertain significance for SBF2-related condition. Last evaluated: 2026-08-20. Review status: criteria provided, single submitter. Criteria: ACMG Guidelines, 2015. Collection method: clinical testing. Allele origin: germline.
Comment: The SBF2 c.4852C>T variant is predicted to result in the amino acid substitution p.Arg1618Trp. To our knowledge, this variant has not been reported in the literature. This variant is reported in 0.012% of alleles in individuals of African descent in gnomAD. At this time, the clinical significance of this variant is uncertain due to the absence of conclusive functional and genetic evidence.

Ambry Genetics
Classification: Uncertain significance for Inborn genetic diseases. Last evaluated: 2025-07-01. Review status: criteria provided, single submitter. Criteria: Ambry Variant Classification Scheme 2023. Collection method: clinical testing. Allele origin: germline.

Labcorp Genetics (formerly Invitae), Labcorp
Classification: Uncertain significance for Charcot-Marie-Tooth disease type 4. Last evaluated: 2024-12-09. Review status: criteria provided, single submitter. Criteria: Invitae Variant Classification Sherloc (09022015). Collection method: clinical testing. Allele origin: germline.
Comment: This sequence change replaces arginine, which is basic and polar, with tryptophan, which is neutral and slightly polar, at codon 1618 of the SBF2 protein (p.Arg1618Trp). This variant is present in population databases (rs200696363, gnomAD 0.01%). This variant has not been reported in the literature in individuals affected with SBF2-related conditions. ClinVar contains an entry for this variant (Variation ID: 1022505). Invitae Evidence Modeling of protein sequence and biophysical properties (such as structural, functional, and spatial information, amino acid conservation, physicochemical variation, residue mobility, and thermodynamic stability) has been performed for this missense variant. However, the output from this modeling did not meet the statistical confidence thresholds required to predict the impact of this variant on SBF2 protein function. In summary, the available evidence is currently insufficient to determine the role of this variant in disease. Therefore, it has been classified as a Variant of Uncertain Significance.

NM_030962.4(SBF2):c.4852C>T (p.Arg1618Trp)

Genes: SBF2-AS1 (SBF2 antisense RNA 1; plus strand), SBF2 (SET binding factor 2; minus strand), LOC105369149 (uncharacterized LOC105369149; plus strand). Cytogenetic location: 11p15.4.
Variant type: single nucleotide variant.
Coding change: c.4852C>T on transcript NM_030962.4 (MANE Select); coding-DNA position 4852, C replaced by T.
Protein change: p.Arg1618Trp; replaces arginine 1618 with tryptophan.
Molecular consequence: missense variant.
Genome position (GRCh38, 1-based): chr11:9,789,189, G>A on the plus strand (C>T on the coding strand, the complement: SBF2 is on the minus strand). VCF-style: chr11-9789189-G-A. GRCh37 (hg19) VCF-style: chr11-9810736-G-A.
Other names: c.4948C>T, p.Arg1650Trp (NM_001386339.1); c.4723C>T, p.Arg1575Trp (NM_001386342.1); c.4852C>T (NM_030962.3); short protein forms R1618W, R1575W, R1650W.
Identifiers: ClinVar variation 1022505 (VCV001022505.10), dbSNP rs200696363, ClinGen allele CA5880880.